The following is an entry in ClinVar:

NM_001276270.2(MBD4):c.744del (p.Gly249fs)

Gene: MBD4 (methyl-CpG binding domain 4, DNA glycosylase; minus strand). Cytogenetic location: 3q21.3.
Variant type: Deletion.
Coding change: c.744del on transcript NM_001276270.2 (MANE Select); coding-DNA position 744, one base deleted (A; older notation c.744delA).
Protein change: p.Gly249fs; shifts the reading frame from glycine 249.
Molecular consequence: frameshift variant. On other transcripts: intron variant (1).
Genome position (GRCh38, 1-based): chr3:129,436,900, T deleted on the plus strand (A on the coding strand, the reverse complement: MBD4 is on the minus strand); the first of 6 consecutive T bases (chr3:129,436,900-129,436,905); deleting any one gives the same sequence. VCF-style (leftmost placement, unchanged base first): chr3-129436899-CT-C. GRCh37 (hg19) VCF-style: chr3-129155742-CT-C.
Other names: c.744del, p.Gly249fs (NM_001276271.2, NM_001276272.2, NM_003925.3); c.247+908del (NM_001276273.2); c.744delA (NM_001276270.2); short protein forms G249fs.
Identifiers: ClinVar variation 5023998 (VCV005023998.1).
Genomic context (GRCh38, chr3:129,436,899, plus strand): 5'-TACACACAGATTCTCTTTTGCTATCACTTTGAACAAAACCTGAACAGCTCTTCCTACATC[CT>C]TTTTTAGTTTTCTTAATTGGGATTCCTTTCAAAATAGTCACCTTTCCTTTGGGCTTTCTA-3'

ClinVar aggregate classification (germline): Pathogenic (1 of 4 stars; one submission).

Conditions:
Inborn genetic diseases. Identifiers: MedGen C0950123, MeSH D030342.

Submission:

Ambry Genetics
Classification: Pathogenic for Inborn genetic diseases. Last evaluated: 2026-06-16. Review status: criteria provided, single submitter. Criteria: Ambry Variant Classification Scheme 2023. Collection method: clinical testing. Allele origin: germline.
Comment: The c.744delA pathogenic mutation, located in coding exon 3 of the MBD4 gene, results from a deletion of one nucleotide at nucleotide position 744, causing a translational frameshift with a predicted alternate stop codon (p.G249Dfs*54). This alteration is expected to result in loss of function by premature protein truncation or nonsense-mediated mRNA decay. This variant is considered to be rare based on population cohorts in the Genome Aggregation Database (gnomAD). As such, this alteration is interpreted as a disease-causing mutation.